The following is an entry in ClinVar:

NM_006087.4(TUBB4A):c.1164G>A (p.Met388Ile)

Gene: TUBB4A (tubulin beta 4A class IVa; minus strand). Cytogenetic location: 19p13.3.
Variant type: single nucleotide variant.
Coding change: c.1164G>A on transcript NM_006087.4 (MANE Select); coding-DNA position 1164, G replaced by A.
Protein change: p.Met388Ile; replaces methionine 388 with isoleucine.
Molecular consequence: missense variant.
Genome position (GRCh38, 1-based): chr19:6,495,335, C>T on the plus strand (G>A on the coding strand, the complement: TUBB4A is on the minus strand). VCF-style: chr19-6495335-C-T. GRCh37 (hg19) VCF-style: chr19-6495346-C-T.
Other names: c.1317G>A, p.Met439Ile (NM_001289123.2); c.1299G>A, p.Met433Ile (NM_001289127.2); c.1164G>A, p.Met388Ile (NM_001289129.2); c.948G>A, p.Met316Ile (NM_001289130.2, NM_001289131.2); c.1164G>A (NM_006087.2); short protein forms M439I, M388I, M316I, M433I.
Identifiers: ClinVar variation 267792 (VCV000267792.47), dbSNP rs797045074, ClinGen allele CA10602618.
Genomic context (GRCh38, chr19:6,495,335, plus strand): 5'-GAACTCCATCTCGTCCATGCCCTCGCCCGTGTACCAGTGCAAGAAGGCCTTGCGCCGGAA[C>T]ATGGCCGTGAACTGCTCGGAGATGCGCTTGAACAGCTCCTGGATGGCCGTGCTGTTGCCG-3'
Protein context (NP_006078.2, residues 378-398): FKRISEQFTA[Met388Ile]FRRKAFLHWY

ClinVar aggregate classification (germline): Pathogenic. Review status: criteria provided, multiple submitters, no conflicts (2 of 4 stars). 5 submissions from 5 submitters: Pathogenic (3). 2 of the submissions do not count toward it. Last evaluated 2025-06-05.

Conditions:
Tetraplegia/tetraparesis. Identifiers: MedGen C4022595, HP:0030182.
Cerebral hypomyelination. Identifiers: MedGen C2677328, HP:0006808.
Global developmental delay (DD). Also called: Cognitive delay. Identifiers: MedGen C0557874, HP:0001263. Disease mechanism: loss of function.
Abnormal basal ganglia MRI signal intensity. Identifiers: MedGen C4022745, HP:0012751.
Microcephaly. Also called: Microcephaly (disease). Identifiers: MedGen C4551563, MONDO:0001149, HP:0000252.
Aplasia/Hypoplasia of the cerebellum. Identifiers: MedGen C3279222, HP:0007360.
Leukodystrophy, hypomyelinating, 6. Also called: LEUKODYSTROPHY, HYPOMYELINATING, WITH ATROPHY OF THE BASAL GANGLIA AND CEREBELLUM; Hypomyelination with Atrophy of Basal Ganglia and Cerebellum (H-ABC); TUBB4A-Associated Leukodystrophy. Identifiers: Orphanet 139441, MedGen C2676244, MONDO:0012905, OMIM 612438.

Submissions (5):

GeneDx
Classification: Pathogenic. Last evaluated: 2025-06-05. Review status: criteria provided, single submitter. Criteria: GeneDx Variant Classification Process June 2021. Collection method: clinical testing. Allele origin: germline. Affected: yes.
Comment: Not observed at significant frequency in large population cohorts (gnomAD); In silico analysis suggests that this missense variant does not alter protein structure/function; This variant is associated with the following publications: (PMID: 25168210, 33027950, 26934450, 24785942, 26633545, 32581362, 37541188)

Genetics and Molecular Pathology, SA Pathology
Classification: Pathogenic for Leukodystrophy, hypomyelinating, 6. Last evaluated: 2023-05-29. Review status: criteria provided, single submitter. Criteria: ACMG Guidelines, 2015. Collection method: clinical testing. Allele origin: germline. Affected: yes.

CeGaT Center for Human Genetics Tuebingen
Classification: Pathogenic. Last evaluated: 2019-06-01. Review status: criteria provided, single submitter. Criteria: CeGaT Center For Human Genetics Tuebingen Variant Classification Criteria Version 2. Collection method: clinical testing. Allele origin: germline. Affected: yes. Observed: 1 variant allele.

GeneReviews
No classification provided. Condition: Leukodystrophy, hypomyelinating, 6. Review status: no classification provided. Collection method: literature only. Allele origin: germline. Affected: yes. Not counted in ClinVar's aggregate classification.

NIHR Bioresource Rare Diseases, University of Cambridge
Classification: Pathogenic for Microcephaly; Global developmental delay; Cerebral hypomyelination; Aplasia/Hypoplasia of the cerebellum; Abnormal basal ganglia MRI signal intensity; Tetraplegia/tetraparesis. Review status: no assertion criteria provided. Collection method: research. Allele origin: unknown. Affected: yes. Observed: 1 variant allele. Not counted in ClinVar's aggregate classification.

Literature cited by the submitters: PubMed 24785942 (cited by GeneReviews); NCBI Bookshelf NBK395611 (cited by GeneReviews); PubMed 32581362 (cited by NIHR Bioresource Rare Diseases, University of Cambridge).